The following is an entry in ClinVar:

NM_001130987.2(DYSF):c.1350del (p.Phe451fs)

Gene: DYSF (dysferlin; plus strand). Cytogenetic location: 2p13.2.
Variant type: Deletion.
Coding change: c.1350del on transcript NM_001130987.2 (MANE Select); coding-DNA position 1350, one base deleted (C; older notation c.1350delC).
Protein change: p.Phe451fs; shifts the reading frame from phenylalanine 451.
Molecular consequence: frameshift variant.
Genome position (GRCh38, 1-based): chr2:71,528,371, C deleted; the last of 4 consecutive C bases (chr2:71,528,368-71,528,371); deleting any one gives the same sequence. VCF-style (leftmost placement, unchanged base first): chr2-71528367-AC-A. GRCh37 (hg19) VCF-style: chr2-71755497-AC-A.
Other names: NM_001130987.2(DYSF):c.1350del; p.Phe451fs; c.1257del, p.Phe420fs (NM_001130455.2, NM_001130983.2, NM_001130984.2 and 1 more transcripts); c.1254del, p.Phe419fs (NM_001130976.2, NM_001130977.2, NM_001130978.2 and 1 more transcripts); c.1347del, p.Phe450fs (NM_001130979.2, NM_001130980.2, NM_001130981.2); c.1350del, p.Phe451fs (NM_001130982.2, NM_001130985.2); short protein forms F420fs, F451fs, F419fs, F450fs.
Identifiers: ClinVar variation 551669 (VCV000551669.10), dbSNP rs766936914, ClinGen allele CA1705706.

ClinVar aggregate classification (germline): Pathogenic. Review status: reviewed by expert panel (3 of 4 stars). 4 submissions from 4 submitters: Pathogenic (1). 3 of the submissions do not count toward it. Last evaluated 2025-09-17.

Conditions:
Autosomal recessive limb-girdle muscular dystrophy. Identifiers: Orphanet 102015, MedGen C2931907, MONDO:0015152.
Neuromuscular disease caused by qualitative or quantitative defects of dysferlin. Also called: Qualitative or quantitative defects of dysferlin; Dysferlinopathy. Identifiers: Orphanet 207073, MedGen C2931687, MONDO:0016145.
Autosomal recessive limb-girdle muscular dystrophy type 2B (LGMDR2). Also called: Limb-Girdle Muscular Dystrophy Type 2B (LGMD2B); MUSCULAR DYSTROPHY, LIMB-GIRDLE, AUTOSOMAL RECESSIVE 2; MUSCULAR DYSTROPHY, LIMB-GIRDLE, TYPE 3; Limb-girdle muscular dystrophy, type 2B. Identifiers: Orphanet 268, MedGen C1850889, MONDO:0009676, OMIM 253601.
Miyoshi muscular dystrophy 1 (MMD1). Identifiers: Orphanet 45448, MedGen C4551973, MONDO:0024545, OMIM 254130.

Submissions (4):

ClinGen Limb Girdle Muscular Dystrophy Variant Curation Expert Panel, ClinGen
Classification: Pathogenic for Autosomal recessive limb-girdle muscular dystrophy. Last evaluated: 2025-09-17. Review status: reviewed by expert panel. Criteria: ClinGen LGMD VCEP ACMG Specifications DYSF V2.0.0. Collection method: curation. Allele origin: germline. Inheritance: Autosomal recessive inheritance.
Comment: The NM_003494.4: c.1254del p.(Phe419LeufsTer41) variant in DYSF, which is also known as NM_001130987.2: c.1350del p.(Phe451LeufsTer41), is a frameshift variant expected to introduce a premature stop codon in exon 15/55, leading to nonsense mediated decay in a gene in which loss of function is a known mechanism of disease (PVS1). In the literature, this variant has also been described as p.(Pro418ProfsTer123). This variant has been reported in at least three patients with features consistent with LGMD (PMID: 27647186, 26404900, 26404900), including in a homozygous state without reported familial consanguinity (0.5 pts, PMID: 17994539; PM3_Supporting). This homozygous individual had both progressive limb girdle muscle weakness and absent dysferlin expression in skeletal muscle via both immunohistochemistry and Western blot (PMID: 17994539; PP4_Strong). The highest population allele frequency for this variant is 8.475e-7 in gnomAD v4.1.0 (1/1180008 European (non-Finnish) alleles), which is less than the threshold of 0.0001 for PM2_Supporting, meeting this criterion (PM2_Supporting). In summary, this variant meets the criteria to be classified as Pathogenic for autosomal recessive limb girdle muscular dystrophy based on the ACMG/AMP criteria applied, as specified by the ClinGen LGMD VCEP (LGMD VCEP specifications version 2.0.0; 09/17/2025): PVS1, PM3_Supporting, PP4_Strong, PM2_Supporting.

Baylor Genetics
Classification: Pathogenic for Miyoshi muscular dystrophy 1. Last evaluated: 2023-01-10. Review status: criteria provided, single submitter. Criteria: ACMG Guidelines, 2015. Collection method: clinical testing. Allele origin: unknown. Not counted in ClinVar's aggregate classification.

Labcorp Genetics (formerly Invitae), Labcorp
Classification: Pathogenic for Neuromuscular disease caused by qualitative or quantitative defects of dysferlin. Last evaluated: 2022-03-14. Review status: criteria provided, single submitter. Criteria: Invitae Variant Classification Sherloc (09022015). Collection method: clinical testing. Allele origin: germline. Not counted in ClinVar's aggregate classification.
Comment: For these reasons, this variant has been classified as Pathogenic. ClinVar contains an entry for this variant (Variation ID: 551669). This variant is also known as Pro418ProfsX123. This premature translational stop signal has been observed in individual(s) with clinical features of limb-girdle muscular dystrophy and/or dysferlinopathy (PMID: 17994539, 27647186). This variant is present in population databases (rs766936914, gnomAD 0.0009%). This sequence change creates a premature translational stop signal (p.Phe419Leufs*41) in the DYSF gene. It is expected to result in an absent or disrupted protein product. Loss-of-function variants in DYSF are known to be pathogenic (PMID: 17698709, 20301480).

Counsyl
Classification: Pathogenic for Autosomal recessive limb-girdle muscular dystrophy type 2B. Last evaluated: 2017-05-04. Review status: no assertion criteria provided. Collection method: clinical testing. Allele origin: unknown. Not counted in ClinVar's aggregate classification.

Literature cited by the submitters: PubMed 17994539 (cited by Labcorp Genetics (formerly Invitae), Labcorp); PubMed 27647186 (cited by Labcorp Genetics (formerly Invitae), Labcorp and Counsyl); PubMed 17698709 (cited by Labcorp Genetics (formerly Invitae), Labcorp); PubMed 20301480 (cited by Labcorp Genetics (formerly Invitae), Labcorp); PubMed 26404900 (cited by Counsyl).